The following is an entry in ClinVar:

NM_024675.4(PALB2):c.2399G>A (p.Cys800Tyr)

Gene: PALB2 (partner and localizer of BRCA2; minus strand). Cytogenetic location: 16p12.2.
Variant type: single nucleotide variant.
Coding change: c.2399G>A on transcript NM_024675.4 (MANE Select); coding-DNA position 2399, G replaced by A.
Protein change: p.Cys800Tyr; replaces cysteine 800 with tyrosine.
Molecular consequence: missense variant. On other transcripts: intron variant (1).
Genome position (GRCh38, 1-based): chr16:23,629,755, C>T on the plus strand (G>A on the coding strand, the complement: PALB2 is on the minus strand). VCF-style: chr16-23629755-C-T. GRCh37 (hg19) VCF-style: chr16-23641076-C-T.
Other names: c.2339G>A, p.Cys780Tyr (NM_001407296.1); c.2399G>A, p.Cys800Tyr (NM_001407297.1, NM_001407298.1, NM_001407299.1 and 3 more transcripts); c.1514G>A, p.Cys505Tyr (NM_001407304.1, NM_001407305.1, NM_001407306.1 and 5 more transcripts); c.611G>A, p.Cys204Tyr (NM_001407312.1, NM_001407313.1); c.49-480G>A (NM_001407314.1); short protein forms C204Y, C780Y, C800Y, C505Y.
Identifiers: ClinVar variation 3687362 (VCV003687362.2).

ClinVar aggregate classification (germline): Uncertain significance (1 of 4 stars; one submission).

Conditions:
Familial cancer of breast. Also called: hereditary breast carcinoma; BREAST CANCER, FAMILIAL; Hereditary breast cancer. Identifiers: Orphanet 227535, MedGen C0346153, MONDO:0016419, OMIM 114480. Disease mechanism: loss of function.

Submission:

Labcorp Genetics (formerly Invitae), Labcorp
Classification: Uncertain significance for Familial cancer of breast. Last evaluated: 2024-02-27. Review status: criteria provided, single submitter. Criteria: Invitae Variant Classification Sherloc (09022015). Collection method: clinical testing. Allele origin: germline.
Comment: This sequence change replaces cysteine, which is neutral and slightly polar, with tyrosine, which is neutral and polar, at codon 800 of the PALB2 protein (p.Cys800Tyr). This variant is not present in population databases (gnomAD no frequency). This variant has not been reported in the literature in individuals affected with PALB2-related conditions. Advanced modeling of protein sequence and biophysical properties (such as structural, functional, and spatial information, amino acid conservation, physicochemical variation, residue mobility, and thermodynamic stability) performed at Invitae indicates that this missense variant is expected to disrupt PALB2 protein function with a positive predictive value of 80%. In summary, the available evidence is currently insufficient to determine the role of this variant in disease. Therefore, it has been classified as a Variant of Uncertain Significance.